The following is an entry in ClinVar:

ClinVar aggregate classification (germline): Uncertain significance (1 of 4 stars; one submission).

Allele frequency attached by ClinVar (database versions not stated): gnomAD exomes below 0.00001; gnomAD 0.00001.
gnomAD v4.1: 3 of 1,395,568 alleles (0.00021%); highest among the groups gnomAD compares: Non-Finnish European, 0.0003%; no homozygotes.

Submission:

Labcorp Genetics (formerly Invitae), Labcorp
Classification: Uncertain significance. Last evaluated: 2022-11-07. Review status: criteria provided, single submitter. Criteria: Invitae Variant Classification Sherloc (09022015). Collection method: clinical testing. Allele origin: germline.
Comment: This sequence change replaces lysine, which is basic and polar, with glutamic acid, which is acidic and polar, at codon 84 of the CWC27 protein (p.Lys84Glu). In summary, the available evidence is currently insufficient to determine the role of this variant in disease. Therefore, it has been classified as a Variant of Uncertain Significance. Algorithms developed to predict the effect of missense changes on protein structure and function are either unavailable or do not agree on the potential impact of this missense change (SIFT: "Deleterious"; PolyPhen-2: "Possibly Damaging"; Align-GVGD: "Class C15"). ClinVar contains an entry for this variant (Variation ID: 1461795). This variant has not been reported in the literature in individuals affected with CWC27-related conditions. This variant is not present in population databases (gnomAD no frequency).

NM_005869.4(CWC27):c.250A>G (p.Lys84Glu)

Gene: CWC27 (CWC27 spliceosome associated cyclophilin; plus strand). Cytogenetic location: 5q12.3.
Variant type: single nucleotide variant.
Coding change: c.250A>G on transcript NM_005869.4 (MANE Select); coding-DNA position 250, A replaced by G.
Protein change: p.Lys84Glu; replaces lysine 84 with glutamic acid.
Molecular consequence: missense variant.
Genome position (GRCh38, 1-based): chr5:64,782,031, A>G. VCF-style: chr5-64782031-A-G. GRCh37 (hg19) VCF-style: chr5-64077858-A-G.
Other names: c.250A>G, p.Lys84Glu (NM_001297644.1, NM_001297645.2, NM_001318000.2 and 1 more transcripts); short protein forms K84E.
Identifiers: ClinVar variation 1461795 (VCV001461795.8), dbSNP rs1444332691, ClinGen allele CA359842460.
Genomic context (GRCh38, chr5:64,782,031, plus strand): 5'-CAAGGCGGAGATCCTACTGGCACAGGGAGTGGTGGAGAGTCTATCTATGGAGCGCCATTC[A>G]AAGTAAGACTGAATTATTATTTTTATTATTATTTTTGTTGTTATTATTATTTCCAAGTCA-3'
Protein context (NP_005860.2, residues 74-94): GGESIYGAPF[Lys84Glu]DEFHSRLRFN